The following is an entry in ClinVar:

ClinVar aggregate classification (germline): Uncertain significance (1 of 4 stars; one submission).

Submission:

GeneDx
Classification: Uncertain significance. Last evaluated: 2025-01-08. Review status: criteria provided, single submitter. Criteria: GeneDx Variant Classification Process June 2021. Collection method: clinical testing. Allele origin: germline. Affected: yes.
Comment: Not observed at significant frequency in large population cohorts (gnomAD); In silico analysis supports that this missense variant has a deleterious effect on protein structure/function; Has not been previously published as pathogenic or benign to our knowledge

NM_177559.3(CSNK2A1):c.175A>T (p.Ile59Phe)

Gene: CSNK2A1 (casein kinase 2 alpha 1; minus strand). Cytogenetic location: 20p13.
Variant type: single nucleotide variant.
Coding change: c.175A>T on transcript NM_177559.3 (MANE Select); coding-DNA position 175, A replaced by T.
Protein change: p.Ile59Phe; replaces isoleucine 59 with phenylalanine.
Molecular consequence: missense variant. On other transcripts: 5 prime UTR variant (1).
Genome position (GRCh38, 1-based): chr20:505,156, T>A on the plus strand (A>T on the coding strand, the complement: CSNK2A1 is on the minus strand). VCF-style: chr20-505156-T-A. GRCh37 (hg19) VCF-style: chr20-485800-T-A.
Other names: c.175A>T, p.Ile59Phe (NM_001362770.2, NM_001362771.2, NM_001895.4); c.-234A>T (NM_177560.3); short protein forms I59F.
Identifiers: ClinVar variation 4070654 (VCV004070654.1).